The following is an entry in ClinVar:

ClinVar aggregate classification (germline): Uncertain significance (1 of 4 stars; one submission).

Allele frequency attached by ClinVar (database versions not stated): gnomAD exomes below 0.00001; gnomAD 0.00001.

Submission:

Labcorp Genetics (formerly Invitae), Labcorp
Classification: Uncertain significance. Last evaluated: 2021-09-01. Review status: criteria provided, single submitter. Criteria: Invitae Variant Classification Sherloc (09022015). Collection method: clinical testing. Allele origin: germline.
Comment: This sequence change replaces leucine with tryptophan at codon 79 of the MTTP protein (p.Leu79Trp). The leucine residue is highly conserved and there is a small physicochemical difference between leucine and tryptophan. This variant is not present in population databases (ExAC no frequency). This variant has not been reported in the literature in individuals affected with MTTP-related conditions. Algorithms developed to predict the effect of missense changes on protein structure and function are either unavailable or do not agree on the potential impact of this missense change (SIFT: "Deleterious"; PolyPhen-2: "Probably Damaging"; Align-GVGD: "Class C0"). In summary, the available evidence is currently insufficient to determine the role of this variant in disease. Therefore, it has been classified as a Variant of Uncertain Significance.

NM_001386140.1(MTTP):c.236T>G (p.Leu79Trp)

Gene: MTTP (microsomal triglyceride transfer protein; plus strand). Cytogenetic location: 4q23.
Variant type: single nucleotide variant.
Coding change: c.236T>G on transcript NM_001386140.1 (MANE Select); coding-DNA position 236, T replaced by G.
Protein change: p.Leu79Trp; replaces leucine 79 with tryptophan.
Molecular consequence: missense variant. On other transcripts: 5 prime UTR variant (1).
Genome position (GRCh38, 1-based): chr4:99,582,079, T>G. VCF-style: chr4-99582079-T-G. GRCh37 (hg19) VCF-style: chr4-100503236-T-G.
Other names: c.236T>G, p.Leu79Trp (NM_000253.4); c.-14T>G (NM_001300785.2); short protein forms L79W.
Identifiers: ClinVar variation 1054361 (VCV001054361.2), dbSNP rs1725134518, ClinGen allele CA357501284.